The following is an entry in ClinVar:

NM_174916.3(UBR1):c.673A>C (p.Arg225=)

Gene: UBR1 (ubiquitin protein ligase E3 component n-recognin 1; minus strand). Cytogenetic location: 15q15.2.
Variant type: single nucleotide variant.
Coding change: c.673A>C on transcript NM_174916.3 (MANE Select); coding-DNA position 673, A replaced by C.
Protein change: p.Arg225=; no amino-acid change (arginine 225 retained).
Molecular consequence: synonymous variant.
Genome position (GRCh38, 1-based): chr15:43,068,023, T>G on the plus strand (A>C on the coding strand, the complement: UBR1 is on the minus strand). VCF-style: chr15-43068023-T-G. GRCh37 (hg19) VCF-style: chr15-43360221-T-G.
Other names: c.673A>C (NM_174916.2).
Identifiers: ClinVar variation 2965502 (VCV002965502.4), dbSNP rs1293482674, ClinGen allele CA490121070.
Genomic context (GRCh38, chr15:43,068,023, plus strand): 5'-GGCTGTATATGACGTGGTCATATGAATGGTGTTCATCATTGAAAAGGACACAATAGTATC[T>G]TTCATTTTTCTCCCTGTTAGAAAAAAAACATATATATTTGGATACTACAACAAATAAAGG-3'
Protein context (NP_777576.1, residues 215-235): PELQIREKNE[Arg225=]YYCVLFNDEH

ClinVar aggregate classification (germline): Likely benign. Review status: criteria provided, multiple submitters, no conflicts (2 of 4 stars). 2 submissions from 2 submitters: Likely benign (2). Last evaluated 2026-03-30.

Conditions:
UBR1-related disorder. Also called: UBR1-related condition.

gnomAD v4.1: 13 of 1,608,984 alleles (0.00081%); highest among the groups gnomAD compares: Middle Eastern, 0.05%; no homozygotes.

Submissions (2):

PreventionGenetics, part of Exact Sciences
Classification: Likely benign for UBR1-related condition. Last evaluated: 2026-03-30. Review status: criteria provided, single submitter. Criteria: ACMG Guidelines, 2015. Collection method: clinical testing. Allele origin: germline.
Comment: This variant is classified as likely benign based on ACMG/AMP sequence variant interpretation guidelines (Richards et al. 2015 PMID: 25741868, with internal and published modifications).

Labcorp Genetics (formerly Invitae), Labcorp
Classification: Likely benign. Last evaluated: 2023-05-01. Review status: criteria provided, single submitter. Criteria: Invitae Variant Classification Sherloc (09022015). Collection method: clinical testing. Allele origin: germline.